The following is an entry in ClinVar:

ClinVar aggregate classification (germline): Uncertain significance (1 of 4 stars; one submission).

Conditions:
Familial melanoma. Also called: Hereditary melanoma; Hereditary cutaneous melanoma. Identifiers: Orphanet 618, MedGen C1512419, MONDO:0018961.

Submission:

Labcorp Genetics (formerly Invitae), Labcorp
Classification: Uncertain significance for Familial melanoma. Last evaluated: 2025-06-20. Review status: criteria provided, single submitter. Criteria: Invitae Variant Classification Sherloc (09022015). Collection method: clinical testing. Allele origin: germline.
Comment: This sequence change replaces alanine, which is neutral and non-polar, with valine, which is neutral and non-polar, at codon 205 of the CDK4 protein (p.Ala205Val). This variant is not present in population databases (gnomAD no frequency). This variant has not been reported in the literature in individuals affected with CDK4-related conditions. An algorithm developed to predict the effect of missense changes on protein structure and function (PolyPhen-2) suggests that this variant is likely to be disruptive. In summary, the available evidence is currently insufficient to determine the role of this variant in disease. Therefore, it has been classified as a Variant of Uncertain Significance.

NM_000075.4(CDK4):c.614C>T (p.Ala205Val)

Gene: CDK4 (cyclin dependent kinase 4; minus strand). Cytogenetic location: 12q14.1.
Variant type: single nucleotide variant.
Coding change: c.614C>T on transcript NM_000075.4 (MANE Select); coding-DNA position 614, C replaced by T.
Protein change: p.Ala205Val; replaces alanine 205 with valine.
Molecular consequence: missense variant.
Genome position (GRCh38, 1-based): chr12:57,750,674, G>A on the plus strand (C>T on the coding strand, the complement: CDK4 is on the minus strand). VCF-style: chr12-57750674-G-A. GRCh37 (hg19) VCF-style: chr12-58144457-G-A.
Other names: short protein forms A205V.
Identifiers: ClinVar variation 4721776 (VCV004721776.1).